The following is an entry in ClinVar:

ClinVar aggregate classification (germline): Benign (1 of 4 stars; one submission).

Allele frequency attached by ClinVar (database versions not stated): ESP Exome Variant Server 0.00387; TOPMed 0.00426; gnomAD 0.00504 and 0.00544; 1000 Genomes Project 30x 0.00640; 1000 Genomes Project 0.00659.

Submission:

GeneDx
Classification: Benign. Last evaluated: 2016-11-14. Review status: criteria provided, single submitter. Criteria: GeneDx Variant Classification (06012015). Collection method: clinical testing. Allele origin: germline. Affected: yes.
Comment: This variant is considered likely benign or benign based on one or more of the following criteria: it is a conservative change, it occurs at a poorly conserved position in the protein, it is predicted to be benign by multiple in silico algorithms, and/or has population frequency not consistent with disease.

NC_000014.9:g.103562952G>T

Gene: COA8 (cytochrome c oxidase assembly factor 8; plus strand). Cytogenetic location: 14q32.33.
Variant type: single nucleotide variant.
Genome position: GRCh38 VCF-style: chr14-103562952-G-T. GRCh37 (hg19) VCF-style: chr14-104029289-G-T.
Other names: c.-11G>T (NM_032374.4).
Identifiers: ClinVar variation 380166 (VCV000380166.2), dbSNP rs185675160, ClinGen allele CA7365364.